The following is an entry in ClinVar:

ClinVar aggregate classification (germline): Uncertain significance (1 of 4 stars; one submission).

Allele frequency attached by ClinVar (database versions not stated): gnomAD exomes below 0.00001; TOPMed 0.00001.
gnomAD v4.1: 2 of 1,610,770 alleles (0.00012%); highest among the groups gnomAD compares: Non-Finnish European, 0.00017%; no homozygotes.

Submission:

GeneDx
Classification: Uncertain significance. Last evaluated: 2023-01-30. Review status: criteria provided, single submitter. Criteria: GeneDx Variant Classification Process June 2021. Collection method: clinical testing. Allele origin: germline. Affected: yes.
Comment: Not observed at significant frequency in large population cohorts (gnomAD); In silico analysis supports a deleterious effect on splicing; Has not been previously published as pathogenic or benign to our knowledge

NM_001384732.1(CPLANE1):c.8793-9A>G

Gene: CPLANE1 (ciliogenesis and planar polarity effector complex subunit 1; minus strand). Cytogenetic location: 5p13.2.
Variant type: single nucleotide variant.
Coding change: c.8793-9A>G on transcript NM_001384732.1 (MANE Select); 9 bases into the intron before coding-DNA position 8793, A replaced by G.
Molecular consequence: intron variant.
Genome position (GRCh38, 1-based): chr5:37,125,418, T>C on the plus strand (A>G on the coding strand, the complement: CPLANE1 is on the minus strand). VCF-style: chr5-37125418-T-C. GRCh37 (hg19) VCF-style: chr5-37125520-T-C.
Other names: c.8631-9A>G (NM_023073.4).
Identifiers: ClinVar variation 2574263 (VCV002574263.1), dbSNP rs1424665860, ClinGen allele CA810293748.
Genomic context (GRCh38, chr5:37,125,418, plus strand): 5'-TCTTCTTTCCTTGTCAGTTCTTTGTGAATGTCTGCCAGAATAATGCTGAATTCTGAGAAA[T>C]TTAACAAGCAAGACATCATTTGCTTTTAAATTTGTTAAGCAGATAAGATATATCATGACT-3'